The following is an entry in ClinVar:

ClinVar aggregate classification (germline): Uncertain significance (1 of 4 stars; one submission).

Conditions:
Familial adenomatous polyposis 1 (FAP1). Also called: POLYPOSIS, ADENOMATOUS INTESTINAL; FAMILIAL ADENOMATOUS POLYPOSIS 1, ATTENUATED. Identifiers: MedGen C2713442, MONDO:0021056, OMIM 175100. Disease mechanism: loss of function.

Submission:

Labcorp Genetics (formerly Invitae), Labcorp
Classification: Uncertain significance for Familial adenomatous polyposis 1. Last evaluated: 2021-03-22. Review status: criteria provided, single submitter. Criteria: Invitae Variant Classification Sherloc (09022015). Collection method: clinical testing. Allele origin: germline.
Comment: In summary, the available evidence is currently insufficient to determine the role of this variant in disease. Therefore, it has been classified as a Variant of Uncertain Significance. Algorithms developed to predict the effect of missense changes on protein structure and function are either unavailable or do not agree on the potential impact of this missense change (SIFT: "Deleterious"; PolyPhen-2: "Possibly Damaging"; Align-GVGD: "Class C0"). This variant has not been reported in the literature in individuals with APC-related conditions. This variant is not present in population databases (ExAC no frequency). This sequence change replaces lysine with glutamine at codon 670 of the APC protein (p.Lys670Gln). The lysine residue is highly conserved and there is a small physicochemical difference between lysine and glutamine.

NM_000038.6(APC):c.2008A>C (p.Lys670Gln)

Gene: APC (APC regulator of Wnt signaling pathway; plus strand). Cytogenetic location: 5q22.2.
Variant type: single nucleotide variant.
Coding change: c.2008A>C on transcript NM_000038.6 (MANE Select); coding-DNA position 2008, A replaced by C.
Protein change: p.Lys670Gln; replaces lysine 670 with glutamine.
Molecular consequence: missense variant.
Genome position (GRCh38, 1-based): chr5:112,837,602, A>C. VCF-style: chr5-112837602-A-C. GRCh37 (hg19) VCF-style: chr5-112173299-A-C.
Other names: c.2008A>C, p.Lys670Gln (NM_001127510.3, NM_001354895.2); c.1954A>C, p.Lys652Gln (NM_001127511.3); c.2062A>C, p.Lys688Gln (NM_001354896.2); c.2038A>C, p.Lys680Gln (NM_001354897.2); c.1933A>C, p.Lys645Gln (NM_001354898.2); c.1924A>C, p.Lys642Gln (NM_001354899.2); c.1885A>C, p.Lys629Gln (NM_001354900.2); c.1831A>C, p.Lys611Gln (NM_001354901.2); and 5 more; short protein forms K579Q, K670Q, K680Q, K510Q, K642Q, K645Q, K652Q, K688Q.
Identifiers: ClinVar variation 1415578 (VCV001415578.8), dbSNP rs1765088770, ClinGen allele CA16025705.